The following is an entry in ClinVar:

ClinVar aggregate classification (germline): Uncertain significance. Review status: criteria provided, multiple submitters, no conflicts (2 of 4 stars). 4 submissions from 4 submitters: Uncertain significance (2). 2 of the submissions do not count toward it. Last evaluated 2022-07-30.

Conditions:
VPS13B-related disorder. Also called: VPS13B-related condition.
Inborn genetic diseases. Identifiers: MedGen C0950123, MeSH D030342.
Cohen syndrome (COH1). Also called: PEPPER SYNDROME; Cutis verticis gyrata, retinitis pigmentosa, and sensorineural deafness. Identifiers: Orphanet 193, MedGen C0265223, MONDO:0008999, OMIM 216550.

Allele frequency attached by ClinVar (database versions not stated): gnomAD exomes 0.00001; TOPMed 0.00001; ExAC 0.00002; gnomAD 0.00002 and 0.00003; ESP Exome Variant Server 0.00008.
gnomAD v4.1: 12 of 1,598,706 alleles (0.00075%); highest among the groups gnomAD compares: African/African-American, 0.0027%; no homozygotes.

Submissions (4):

Labcorp Genetics (formerly Invitae), Labcorp
Classification: Uncertain significance for Cohen syndrome. Last evaluated: 2022-07-30. Review status: criteria provided, single submitter. Criteria: Invitae Variant Classification Sherloc (09022015). Collection method: clinical testing. Allele origin: germline.
Comment: This sequence change replaces arginine, which is basic and polar, with tryptophan, which is neutral and slightly polar, at codon 3721 of the VPS13B protein (p.Arg3721Trp). The frequency data for this variant in the population databases is considered unreliable, as metrics indicate poor data quality at this position in the gnomAD database. This variant has not been reported in the literature in individuals affected with VPS13B-related conditions. ClinVar contains an entry for this variant (Variation ID: 999275). Algorithms developed to predict the effect of missense changes on protein structure and function are either unavailable or do not agree on the potential impact of this missense change (SIFT: "Not Available"; PolyPhen-2: "Possibly Damaging"; Align-GVGD: "Not Available"). In summary, the available evidence is currently insufficient to determine the role of this variant in disease. Therefore, it has been classified as a Variant of Uncertain Significance.

Ambry Genetics
Classification: Uncertain significance for Inborn genetic diseases. Last evaluated: 2019-12-02. Review status: criteria provided, single submitter. Criteria: Ambry Variant Classification Scheme 2023. Collection method: clinical testing. Allele origin: germline.
Comment: The p.R3721W variant (also known as c.11161C>T), located in coding exon 57 of the VPS13B gene, results from a C to T substitution at nucleotide position 11161. The arginine at codon 3721 is replaced by tryptophan, an amino acid with dissimilar properties. This amino acid position is highly conserved in available vertebrate species. In addition, this alteration is predicted to be deleterious by in silico analysis. Since supporting evidence is limited at this time, the clinical significance of this alteration remains unclear.

PreventionGenetics, part of Exact Sciences
Classification: Uncertain significance for VPS13B-related condition. Last evaluated: 2024-03-20. Review status: no assertion criteria provided. Collection method: clinical testing. Allele origin: germline. Not counted in ClinVar's aggregate classification.
Comment: The VPS13B c.11086C>T variant is predicted to result in the amino acid substitution p.Arg3696Trp. To our knowledge, this variant has not been reported in the literature. This variant is reported in 0.015% of alleles in individuals of African descent in gnomAD. At this time, the clinical significance of this variant is uncertain due to the absence of conclusive functional and genetic evidence.

Natera, Inc.
Classification: Uncertain significance for Cohen syndrome. Last evaluated: 2020-07-08. Review status: no assertion criteria provided. Collection method: clinical testing. Allele origin: germline. Not counted in ClinVar's aggregate classification.

NM_152564.5(VPS13B):c.11086C>T (p.Arg3696Trp)

Gene: VPS13B (vacuolar protein sorting 13 homolog B; plus strand). Cytogenetic location: 8q22.2.
Variant type: single nucleotide variant.
Coding change: c.11086C>T on transcript NM_152564.5 (MANE Select); coding-DNA position 11086, C replaced by T.
Protein change: p.Arg3696Trp; replaces arginine 3696 with tryptophan.
Molecular consequence: missense variant.
Genome position (GRCh38, 1-based): chr8:99,861,817, C>T. VCF-style: chr8-99861817-C-T. GRCh37 (hg19) VCF-style: chr8-100874045-C-T.
Other names: c.11161C>T, p.Arg3721Trp (NM_017890.5); c.11086C>T (NM_152564.4); c.11161C>T (NM_017890.3); short protein forms R3696W, R3721W.
Identifiers: ClinVar variation 999275 (VCV000999275.11), dbSNP rs147891367, ClinGen allele CA4825140.
Genomic context (GRCh38, chr8:99,861,817, plus strand): 5'-CATGCTCTTGTTCCCTCAGGTACCCTCACATCCATCACCAACCTCGCCACAAGCCTGGCC[C>T]GGAACATGGACCGGCTCTCACTGGATGAGGAGCACTACAACCGGCAGGAGGAGTGGCGGC-3'
Protein context (NP_689777.3, residues 3686-3706): SITNLATSLA[Arg3696Trp]NMDRLSLDEE